The following is an entry in ClinVar:

ClinVar aggregate classification (germline): Uncertain significance. Review status: criteria provided, multiple submitters, no conflicts (2 of 4 stars). 3 submissions from 3 submitters: Uncertain significance (3). Last evaluated 2024-02-13.

Conditions:
Inborn genetic diseases. Identifiers: MedGen C0950123, MeSH D030342.

Allele frequency attached by ClinVar (database versions not stated): gnomAD exomes 0.00001; gnomAD 0.00003; TOPMed 0.00004; ExAC 0.00007.

Submissions (3):

Blueprint Genetics
Classification: Uncertain significance. Last evaluated: 2024-02-13. Review status: criteria provided, single submitter. Criteria: ACMG Guidelines, 2015. Collection method: clinical testing. Allele origin: germline.

Ambry Genetics
Classification: Uncertain significance for Inborn genetic diseases. Last evaluated: 2023-09-14. Review status: criteria provided, single submitter. Criteria: Ambry Variant Classification Scheme 2023. Collection method: clinical testing. Allele origin: germline.

Labcorp Genetics (formerly Invitae), Labcorp
Classification: Uncertain significance. Last evaluated: 2022-06-16. Review status: criteria provided, single submitter. Criteria: Invitae Variant Classification Sherloc (09022015). Collection method: clinical testing. Allele origin: germline.
Comment: This sequence change replaces alanine, which is neutral and non-polar, with valine, which is neutral and non-polar, at codon 216 of the GNPTG protein (p.Ala216Val). This variant is present in population databases (rs777120261, gnomAD 0.1%). This variant has not been reported in the literature in individuals affected with GNPTG-related conditions. Algorithms developed to predict the effect of missense changes on protein structure and function are either unavailable or do not agree on the potential impact of this missense change (SIFT: "Tolerated"; PolyPhen-2: "Probably Damaging"; Align-GVGD: "Class C0"). In summary, the available evidence is currently insufficient to determine the role of this variant in disease. Therefore, it has been classified as a Variant of Uncertain Significance.

NM_032520.5(GNPTG):c.647C>T (p.Ala216Val)

Gene: GNPTG (N-acetylglucosamine-1-phosphate transferase subunit gamma; plus strand). Cytogenetic location: 16p13.3.
Variant type: single nucleotide variant.
Coding change: c.647C>T on transcript NM_032520.5 (MANE Select); coding-DNA position 647, C replaced by T.
Protein change: p.Ala216Val; replaces alanine 216 with valine.
Molecular consequence: missense variant.
Genome position (GRCh38, 1-based): chr16:1,362,648, C>T. VCF-style: chr16-1362648-C-T. GRCh37 (hg19) VCF-style: chr16-1412649-C-T.
Other names: c.647C>T (NM_032520.4); short protein forms A216V.
Identifiers: ClinVar variation 2069628 (VCV002069628.4), dbSNP rs777120261, ClinGen allele CA7807866.